The following is an entry in ClinVar:

NM_001277115.2(DNAH11):c.5924+19A>G

Gene: DNAH11 (dynein axonemal heavy chain 11; plus strand). Cytogenetic location: 7p15.3.
Variant type: single nucleotide variant.
Coding change: c.5924+19A>G on transcript NM_001277115.2 (MANE Select); 19 bases into the intron after coding-DNA position 5924, A replaced by G.
Molecular consequence: intron variant.
Genome position (GRCh38, 1-based): chr7:21,687,546, A>G. VCF-style: chr7-21687546-A-G. GRCh37 (hg19) VCF-style: chr7-21727164-A-G.
Identifiers: ClinVar variation 257914 (VCV000257914.13), dbSNP rs112923391, ClinGen allele CA4180595.

ClinVar aggregate classification (germline): Benign/Likely benign. Review status: criteria provided, multiple submitters, no conflicts (2 of 4 stars). 4 submissions from 4 submitters: Benign (2); Likely benign (2). Last evaluated 2026-01-28.

Conditions:
Primary ciliary dyskinesia. Also called: Ciliary dyskinesia. Identifiers: Orphanet 244, MedGen C0008780, MONDO:0016575, HP:0012265.

Allele frequency attached by ClinVar (database versions not stated): gnomAD exomes 0.00098; ExAC 0.00143; gnomAD 0.00331 and 0.00361; 1000 Genomes Project 0.00399; ESP Exome Variant Server 0.00404; TOPMed 0.00411; 1000 Genomes Project 30x 0.00422.
gnomAD v4.1: 1,163 of 1,609,798 alleles (0.072%); highest among the groups gnomAD compares: African/African-American, 1.2%; 5 homozygotes.

Submissions (4):

Labcorp Genetics (formerly Invitae), Labcorp
Classification: Benign for Primary ciliary dyskinesia. Last evaluated: 2026-01-28. Review status: criteria provided, single submitter. Criteria: Invitae Variant Classification Sherloc (09022015). Collection method: clinical testing. Allele origin: germline.

Blueprint Genetics
Classification: Likely benign. Last evaluated: 2024-07-01. Review status: criteria provided, single submitter. Criteria: ACMG Guidelines, 2015. Collection method: clinical testing. Allele origin: germline.

GeneDx
Classification: Likely benign. Last evaluated: 2020-02-25. Review status: criteria provided, single submitter. Criteria: GeneDx Variant Classification Process June 2021. Collection method: clinical testing. Allele origin: germline. Affected: yes.
Comment: See Variant Classification Assertion Criteria.

PreventionGenetics, part of Exact Sciences
Classification: Benign. Review status: criteria provided, single submitter. Criteria: ACMG Guidelines, 2015. Collection method: clinical testing. Allele origin: germline.